The following is an entry in ClinVar:

NM_017612.5(ZCCHC8):c.344T>C (p.Phe115Ser)

Gene: ZCCHC8 (zinc finger CCHC-type containing 8; minus strand). Cytogenetic location: 12q24.31.
Variant type: single nucleotide variant.
Coding change: c.344T>C on transcript NM_017612.5 (MANE Select); coding-DNA position 344, T replaced by C.
Protein change: p.Phe115Ser; replaces phenylalanine 115 with serine.
Molecular consequence: missense variant. On other transcripts: 5 prime UTR variant (1), intron variant (1).
Genome position (GRCh38, 1-based): chr12:122,490,541, A>G on the plus strand (T>C on the coding strand, the complement: ZCCHC8 is on the minus strand). VCF-style: chr12-122490541-A-G. GRCh37 (hg19) VCF-style: chr12-122975088-A-G.
Other names: c.344T>C, p.Phe115Ser (NM_001350935.2); c.47T>C, p.Phe16Ser (NM_001350936.2); c.-201T>C (NM_001350937.2); c.-121-1078T>C (NM_001350938.2); short protein forms F115S, F16S.
Identifiers: ClinVar variation 2828516 (VCV002828516.3), dbSNP rs1957725961, ClinGen allele CA482209331.

ClinVar aggregate classification (germline): Uncertain significance (1 of 4 stars; one submission).

Allele frequency attached by ClinVar (database versions not stated): gnomAD exomes below 0.00001.
gnomAD v4.1: 1 of 1,609,994 alleles (0.000062%); highest among the groups gnomAD compares: Non-Finnish European, 0.000085%; no homozygotes.

Submission:

Labcorp Genetics (formerly Invitae), Labcorp
Classification: Uncertain significance. Last evaluated: 2023-06-27. Review status: criteria provided, single submitter. Criteria: Invitae Variant Classification Sherloc (09022015). Collection method: clinical testing. Allele origin: germline.
Comment: In summary, the available evidence is currently insufficient to determine the role of this variant in disease. Therefore, it has been classified as a Variant of Uncertain Significance. Advanced modeling of protein sequence and biophysical properties (such as structural, functional, and spatial information, amino acid conservation, physicochemical variation, residue mobility, and thermodynamic stability) performed at Invitae indicates that this missense variant is not expected to disrupt ZCCHC8 protein function. This variant has not been reported in the literature in individuals affected with ZCCHC8-related conditions. This variant is not present in population databases (gnomAD no frequency). This sequence change replaces phenylalanine, which is neutral and non-polar, with serine, which is neutral and polar, at codon 115 of the ZCCHC8 protein (p.Phe115Ser).